The following is an entry in ClinVar:

NM_014363.6(SACS):c.11634dup (p.Arg3879fs)

Gene: SACS (sacsin molecular chaperone; minus strand). Cytogenetic location: 13q12.12.
Variant type: Duplication.
Coding change: c.11634dup on transcript NM_014363.6 (MANE Select); coding-DNA position 11634, one base duplicated (G; older notation c.11634dupG).
Protein change: p.Arg3879fs; shifts the reading frame from arginine 3879.
Molecular consequence: frameshift variant.
Genome position (GRCh38, 1-based): chr13:23,332,242, C duplicated on the plus strand (G on the coding strand, the reverse complement: SACS is on the minus strand). VCF-style (leftmost placement, unchanged base first): chr13-23332241-T-TC. GRCh37 (hg19) VCF-style: chr13-23906380-T-TC.
Other names: c.11193dup, p.Arg3732fs (NM_001278055.2); short protein forms R3879fs, R3732fs.
Identifiers: ClinVar variation 1997734 (VCV001997734.5), dbSNP rs2542167350, ClinGen allele CA2580086824.

ClinVar aggregate classification (germline): Pathogenic. Review status: criteria provided, multiple submitters, no conflicts (2 of 4 stars). 2 submissions from 2 submitters: Pathogenic (2). Last evaluated 2026-09-02.

Conditions:
Charlevoix-Saguenay spastic ataxia (SACS). Also called: SPASTIC ATAXIA 6, AUTOSOMAL RECESSIVE; AUTOSOMAL RECESSIVE SPASTIC ATAXIA OF CHARLEVOIX-SAGUENAY; Spastic ataxia of Charlevoix-Saguenay. Identifiers: Orphanet 98, MedGen C1849140, MONDO:0010041, OMIM 270550.
Spastic paraplegia. Identifiers: MedGen C0037772, HP:0001258.

Submissions (2):

Myriad Genetics, Inc.
Classification: Pathogenic for Charlevoix-Saguenay spastic ataxia. Last evaluated: 2026-09-02. Review status: criteria provided, single submitter. Criteria: Myriad Autosomal Dominant, Autosomal Recessive and X-Linked Classification Criteria (2023). Collection method: clinical testing. Allele origin: unknown.
Comment: NM_014363.4(SACS):c.11634dupG(R3879Efs*13) is a frameshift variant classified as pathogenic in the context of autosomal recessive spastic ataxia of Charlevoix-Saguenay. R3879Efs*13 has been observed in a case with relevant disease (PMID: 22816526). Relevant functional assessments of this variant are not available in the literature. R3879Efs*13 has not been observed in referenced population frequency databases. In summary, NM_014363.4(SACS):c.11634dupG(R3879Efs*13) is a frameshift variant in a gene where loss of function is a known mechanism of disease, is predicted to disrupt protein function, and has been observed more frequently in cases with the relevant disease than in healthy populations. Please note: this variant was assessed in the context of healthy population screening.

Labcorp Genetics (formerly Invitae), Labcorp
Classification: Pathogenic for Spastic paraplegia. Last evaluated: 2022-05-21. Review status: criteria provided, single submitter. Criteria: Invitae Variant Classification Sherloc (09022015). Collection method: clinical testing. Allele origin: germline.
Comment: For these reasons, this variant has been classified as Pathogenic. This variant disrupts a region of the SACS protein in which other variant(s) (p.Asn4549Asp) have been determined to be pathogenic (PMID: 15156359, 21507954). This suggests that this is a clinically significant region of the protein, and that variants that disrupt it are likely to be disease-causing. This variant has not been reported in the literature in individuals affected with SACS-related conditions. This variant is not present in population databases (gnomAD no frequency). This sequence change creates a premature translational stop signal (p.Arg3879Glufs*13) in the SACS gene. While this is not anticipated to result in nonsense mediated decay, it is expected to disrupt the last 701 amino acid(s) of the SACS protein.

Literature cited by the submitters: PubMed 22816526 (cited by Myriad Genetics, Inc.); PubMed 15156359 (cited by Labcorp Genetics (formerly Invitae), Labcorp); PubMed 21507954 (cited by Labcorp Genetics (formerly Invitae), Labcorp).